The following is an entry in ClinVar:

ClinVar aggregate classification (germline): Uncertain significance. Review status: criteria provided, multiple submitters, no conflicts (2 of 4 stars). 2 submissions from 2 submitters: Uncertain significance (2). Last evaluated 2025-07-13.

Conditions:
Hereditary cancer-predisposing syndrome. Also called: Neoplastic Syndromes, Hereditary; Tumor predisposition; Hereditary neoplastic syndrome; Hereditary Cancer Syndrome. Identifiers: Orphanet 140162, MedGen C0027672, MeSH D009386, MONDO:0015356.
Mitochondrial complex II deficiency, nuclear type 1. Also called: SUCCINATE CoQ REDUCTASE DEFICIENCY. Identifiers: Orphanet 3208, MedGen C5700310, MONDO:0100294, OMIM 252011.
Pheochromocytoma/paraganglioma syndrome 5. Also called: Paragangliomas 5; SDHA-Related Hereditary Paraganglioma-Pheochromocytoma Syndrome. Identifiers: Orphanet 29072, MedGen C3279992, MONDO:0013602, OMIM 614165.

Allele frequency attached by ClinVar (database versions not stated): gnomAD exomes below 0.00001 and 0.00001; ExAC 0.00001.
gnomAD v4.1: 7 of 1,614,012 alleles (0.00043%); highest among the groups gnomAD compares: South Asian, 0.0055%; no homozygotes.

Submissions (2):

Labcorp Genetics (formerly Invitae), Labcorp
Classification: Uncertain significance for Pheochromocytoma/paraganglioma syndrome 5; Mitochondrial complex II deficiency, nuclear type 1. Last evaluated: 2025-07-13. Review status: criteria provided, single submitter. Criteria: Invitae Variant Classification Sherloc (09022015). Collection method: clinical testing. Allele origin: germline.
Comment: This sequence change replaces leucine, which is neutral and non-polar, with phenylalanine, which is neutral and non-polar, at codon 285 of the SDHA protein (p.Leu285Phe). This variant is present in population databases (rs747045191, gnomAD 0.01%). This variant has not been reported in the literature in individuals affected with SDHA-related conditions. ClinVar contains an entry for this variant (Variation ID: 539676). Invitae Evidence Modeling of protein sequence and biophysical properties (such as structural, functional, and spatial information, amino acid conservation, physicochemical variation, residue mobility, and thermodynamic stability) indicates that this missense variant is not expected to disrupt SDHA protein function with a negative predictive value of 95%. In summary, the available evidence is currently insufficient to determine the role of this variant in disease. Therefore, it has been classified as a Variant of Uncertain Significance.

Ambry Genetics
Classification: Uncertain significance for Hereditary cancer-predisposing syndrome. Last evaluated: 2024-06-10. Review status: criteria provided, single submitter. Criteria: Ambry Variant Classification Scheme 2023. Collection method: clinical testing. Allele origin: germline.
Comment: The p.L285F variant (also known as c.853C>T), located in coding exon 7 of the SDHA gene, results from a C to T substitution at nucleotide position 853. The leucine at codon 285 is replaced by phenylalanine, an amino acid with highly similar properties. This amino acid position is highly conserved in available vertebrate species. In addition, this alteration is predicted to be deleterious by in silico analysis. Based on the available evidence, the clinical significance of this variant remains unclear.

NM_004168.4(SDHA):c.853C>T (p.Leu285Phe)

Gene: SDHA (succinate dehydrogenase complex flavoprotein subunit A; plus strand). Cytogenetic location: 5p15.33.
Variant type: single nucleotide variant.
Coding change: c.853C>T on transcript NM_004168.4 (MANE Select); coding-DNA position 853, C replaced by T.
Protein change: p.Leu285Phe; replaces leucine 285 with phenylalanine.
Molecular consequence: missense variant.
Genome position (GRCh38, 1-based): chr5:230,958, C>T. VCF-style: chr5-230958-C-T. GRCh37 (hg19) VCF-style: chr5-231073-C-T.
Other names: c.709C>T, p.Leu237Phe (NM_001294332.2); c.853C>T, p.Leu285Phe (NM_001330758.2); short protein forms L285F, L237F.
Identifiers: ClinVar variation 539676 (VCV000539676.14), dbSNP rs747045191, ClinGen allele CA3173009.